The following is an entry in ClinVar:

ClinVar aggregate classification (germline): Uncertain significance. Review status: criteria provided, multiple submitters, no conflicts (2 of 4 stars). 3 submissions from 3 submitters: Uncertain significance (2). 1 of the submissions does not count toward it. Last evaluated 2024-10-10.

Conditions:
KIDINS220-related disorder. Also called: KIDINS220-related condition.
Inborn genetic diseases. Identifiers: MedGen C0950123, MeSH D030342.

Allele frequency attached by ClinVar (database versions not stated): ExAC 0.00002; gnomAD 0.00002; TOPMed 0.00002.

Submissions (3):

Labcorp Genetics (formerly Invitae), Labcorp
Classification: Uncertain significance. Last evaluated: 2024-10-10. Review status: criteria provided, single submitter. Criteria: Invitae Variant Classification Sherloc (09022015). Collection method: clinical testing. Allele origin: germline.
Comment: This sequence change replaces proline, which is neutral and non-polar, with serine, which is neutral and polar, at codon 265 of the KIDINS220 protein (p.Pro265Ser). This variant is present in population databases (rs764225018, gnomAD 0.006%). This variant has not been reported in the literature in individuals affected with KIDINS220-related conditions. ClinVar contains an entry for this variant (Variation ID: 2179480). An algorithm developed to predict the effect of missense changes on protein structure and function (PolyPhen-2) suggests that this variant is likely to be disruptive. In summary, the available evidence is currently insufficient to determine the role of this variant in disease. Therefore, it has been classified as a Variant of Uncertain Significance.

Ambry Genetics
Classification: Uncertain significance for Inborn genetic diseases. Last evaluated: 2023-05-28. Review status: criteria provided, single submitter. Criteria: Ambry Variant Classification Scheme 2023. Collection method: clinical testing. Allele origin: germline.

PreventionGenetics, part of Exact Sciences
Classification: Uncertain significance for KIDINS220-related condition. Last evaluated: 2024-07-22. Review status: no assertion criteria provided. Collection method: clinical testing. Allele origin: germline. Not counted in ClinVar's aggregate classification.
Comment: The KIDINS220 c.793C>T variant is predicted to result in the amino acid substitution p.Pro265Ser. To our knowledge, this variant has not been reported in the literature. This variant is reported in 0.0058% of alleles in individuals of Latino descent in gnomAD. At this time, the clinical significance of this variant is uncertain due to the absence of conclusive functional and genetic evidence.

NM_020738.4(KIDINS220):c.793C>T (p.Pro265Ser)

Gene: KIDINS220 (kinase D interacting substrate 220; minus strand). Cytogenetic location: 2p25.1.
Variant type: single nucleotide variant.
Coding change: c.793C>T on transcript NM_020738.4 (MANE Select); coding-DNA position 793, C replaced by T.
Protein change: p.Pro265Ser; replaces proline 265 with serine.
Molecular consequence: missense variant. On other transcripts: non-coding transcript variant (2).
Genome position (GRCh38, 1-based): chr2:8,802,938, G>A on the plus strand (C>T on the coding strand, the complement: KIDINS220 is on the minus strand). VCF-style: chr2-8802938-G-A. GRCh37 (hg19) VCF-style: chr2-8943068-G-A.
Other names: c.796C>T, p.Pro266Ser (NM_001348729.2, NM_001348731.2, NM_001348734.2 and 3 more transcripts); c.793C>T, p.Pro265Ser (NM_001348732.2, NM_001348735.2, NM_001348738.2 and 3 more transcripts); c.667C>T, p.Pro223Ser (NM_001348736.2); c.793C>T (NM_020738.2); short protein forms P266S, P223S, P265S.
Identifiers: ClinVar variation 2179480 (VCV002179480.6), dbSNP rs764225018, ClinGen allele CA1520352.